The following is an entry in ClinVar:

ClinVar aggregate classification (germline): Likely benign (1 of 4 stars; one submission).

Submission:

CeGaT Center for Human Genetics Tuebingen
Classification: Likely benign. Last evaluated: 2025-12-01. Review status: criteria provided, single submitter. Criteria: CeGaT Center For Human Genetics Tuebingen Variant Classification Criteria Version 2. Collection method: clinical testing. Allele origin: germline. Affected: yes. Observed: 1 variant allele.
Comment: TRMT5: PM2:Supporting, BP4, BP7

NM_020810.3(TRMT5):c.174A>G (p.Ser58=)

Gene: TRMT5 (tRNA methyltransferase 5; minus strand). Cytogenetic location: 14q23.1.
Variant type: single nucleotide variant.
Coding change: c.174A>G on transcript NM_020810.3 (MANE Select); coding-DNA position 174, A replaced by G.
Protein change: p.Ser58=; no amino-acid change (serine 58 retained).
Molecular consequence: synonymous variant.
Genome position (GRCh38, 1-based): chr14:60,979,724, T>C on the plus strand (A>G on the coding strand, the complement: TRMT5 is on the minus strand). VCF-style: chr14-60979724-T-C. GRCh37 (hg19) VCF-style: chr14-61446442-T-C.
Other names: c.258A>G, p.Ser86= (NM_001350253.1); c.255A>G, p.Ser85= (NM_001350254.1).
Identifiers: ClinVar variation 4822341 (VCV004822341.4).